The following is an entry in ClinVar:

ClinVar aggregate classification (germline): Likely pathogenic (3 of 4 stars; one submission).

Conditions:
RPGR-related retinopathy. Also called: RPGR retinopathy. Identifiers: MedGen CN305589, MONDO:0100437.

Submission:

ClinGen X-linked Inherited Retinal Disease Variant Curation Expert Panel, ClinGen
Classification: Likely pathogenic for RPGR-related retinopathy. Last evaluated: 2025-08-03. Review status: reviewed by expert panel. Criteria: ClinGen X LinkedIRD ACMG Specifications RPGR V1.0.0. Collection method: curation. Allele origin: germline. Inheritance: X-linked inheritance.
Comment: NM_001034853.2(RPGR):c.191G>A (p.Trp64Ter) is a nonsense variant that substitutes a premature stop for amino acid 64 within exon 3 of 15 and is predicted to trigger nonsense-mediated decay (PVS1). This variant is absent from gnomAD v4.1.0 (PM2_Supporting). This variant has been reported in at least 1 proband meeting one of the PS4 requirements of a male with some functional vision impairment by age 30 years and/or decreased or absent electroretinogram responses, or a female with functional visual abnormality and documentation of a male relative affected with retinitis pigmentosa (PMID: 34745198). However, PS4_Supporting requires at least 2 unrelated probands, so this criterion was not met. In summary, this variant is classified as likely pathogenic for RPGR-related retinopathy based on the ClinGen X-linked Inherited Retinal Disease Expert Panel Specifications to the ACMG/AMP Variant Interpretation Guidelines for RPGR Version 1.0.0; PVS1 and PM2_supporting. (date of approval 05/16/2025).

NM_001034853.2(RPGR):c.191G>A (p.Trp64Ter)

Gene: RPGR (retinitis pigmentosa GTPase regulator; minus strand). Cytogenetic location: Xp11.4.
Variant type: single nucleotide variant.
Coding change: c.191G>A on transcript NM_001034853.2 (MANE Select); coding-DNA position 191, G replaced by A.
Protein change: p.Trp64Ter; replaces tryptophan 64 with a stop codon.
Molecular consequence: nonsense. On other transcripts: non-coding transcript variant (6).
Genome position (GRCh38, 1-based): chrX:38,322,909, C>T on the plus strand (G>A on the coding strand, the complement: RPGR is on the minus strand). VCF-style: chrX-38322909-C-T. GRCh37 (hg19) VCF-style: chrX-38182162-C-T.
Other names: NM_001034853.2:c.191G>A; c.191G>A, p.Trp64Ter (NM_001367245.1, NM_001367246.1, NM_001367247.1 and 4 more transcripts); c.221G>A, p.Trp74Ter (NM_001367248.1); short protein forms W64*, W74*.
Identifiers: ClinVar variation 4072388 (VCV004072388.1).
Genomic context (GRCh38, chrX:38,322,909, plus strand): 5'-AAACCTTTGACACATGTTGGCTTGCTGATGGCTGACTTTGATCCTAATCCTAACTGACCC[C>T]AGTTGTTACTGCCAAACATGTAAAGTTTATTATTTCCTGGTAGGAGGGAAAAAGAAATAA-3'